The following is an entry in ClinVar:

ClinVar aggregate classification (germline): Uncertain significance. Review status: criteria provided, multiple submitters, no conflicts (2 of 4 stars). 2 submissions from 2 submitters: Uncertain significance (2). Last evaluated 2025-09-11.

Conditions:
Inborn genetic diseases. Identifiers: MedGen C0950123, MeSH D030342.

Allele frequency attached by ClinVar (database versions not stated): gnomAD 0.00002; TOPMed 0.00002; ExAC 0.00005; ESP Exome Variant Server 0.00008.
gnomAD v4.1: 32 of 1,608,990 alleles (0.002%); highest among the groups gnomAD compares: Non-Finnish European, 0.0025%; no homozygotes.

Submissions (2):

Ambry Genetics
Classification: Uncertain significance for Inborn genetic diseases. Last evaluated: 2025-09-11. Review status: criteria provided, single submitter. Criteria: Ambry Variant Classification Scheme 2023. Collection method: clinical testing. Allele origin: germline.

Labcorp Genetics (formerly Invitae), Labcorp
Classification: Uncertain significance. Last evaluated: 2022-07-21. Review status: criteria provided, single submitter. Criteria: Invitae Variant Classification Sherloc (09022015). Collection method: clinical testing. Allele origin: germline.
Comment: In summary, the available evidence is currently insufficient to determine the role of this variant in disease. Therefore, it has been classified as a Variant of Uncertain Significance. Algorithms developed to predict the effect of missense changes on protein structure and function output the following: SIFT: "Tolerated"; PolyPhen-2: "Benign"; Align-GVGD: "Class C0". The isoleucine amino acid residue is found in multiple mammalian species, which suggests that this missense change does not adversely affect protein function. This variant has not been reported in the literature in individuals affected with C7-related conditions. This variant is present in population databases (rs201503515, gnomAD 0.006%). This sequence change replaces arginine, which is basic and polar, with isoleucine, which is neutral and non-polar, at codon 226 of the C7 protein (p.Arg226Ile).

NM_000587.4(C7):c.677G>T (p.Arg226Ile)

Gene: C7 (complement C7; plus strand). Cytogenetic location: 5p13.1.
Variant type: single nucleotide variant.
Coding change: c.677G>T on transcript NM_000587.4 (MANE Select); coding-DNA position 677, G replaced by T.
Protein change: p.Arg226Ile; replaces arginine 226 with isoleucine.
Molecular consequence: missense variant.
Genome position (GRCh38, 1-based): chr5:40,945,307, G>T. VCF-style: chr5-40945307-G-T. GRCh37 (hg19) VCF-style: chr5-40945409-G-T.
Other names: short protein forms R226I.
Identifiers: ClinVar variation 1960960 (VCV001960960.5), dbSNP rs201503515, ClinGen allele CA3249721.